The following is an entry in ClinVar:

ClinVar aggregate classification (germline): Uncertain significance. Review status: criteria provided, multiple submitters, no conflicts (2 of 4 stars). 2 submissions from 2 submitters: Uncertain significance (2). Last evaluated 2020-08-05.

Conditions:
Distal myopathy with vocal cord weakness. Identifiers: Orphanet 600, MedGen C1853723, MONDO:0018951.
Amyotrophic lateral sclerosis type 21. Also called: VOCAL CORD AND PHARYNGEAL DYSFUNCTION WITH DISTAL MYOPATHY; MYOPATHY, DISTAL, 2. Identifiers: Orphanet 600, Orphanet 803, MedGen C3807521, MONDO:0011632, OMIM 606070.

Submissions (2):

Department of Pathology and Laboratory Medicine, Sinai Health System
Classification: Uncertain significance for distal myopathy with vocal cord weakness. Last evaluated: 2020-08-05. Review status: criteria provided, single submitter. Criteria: ACMG Guidelines, 2015. Collection method: research. Allele origin: germline.

Labcorp Genetics (formerly Invitae), Labcorp
Classification: Uncertain significance for Amyotrophic lateral sclerosis type 21. Last evaluated: 2020-03-02. Review status: criteria provided, single submitter. Criteria: Invitae Variant Classification Sherloc (09022015). Collection method: clinical testing. Allele origin: germline.
Comment: This variant, c.2257_2259del, results in the deletion of 1 amino acid(s) of the MATR3 protein (p.Asp753del), but otherwise preserves the integrity of the reading frame. This variant is not present in population databases (ExAC no frequency). This variant has not been reported in the literature in individuals with MATR3-related conditions. Experimental studies and prediction algorithms are not available or were not evaluated, and the functional significance of this variant is currently unknown. In summary, the available evidence is currently insufficient to determine the role of this variant in disease. Therefore, it has been classified as a Variant of Uncertain Significance.

NM_018834.6(MATR3):c.2254GAT[1] (p.Asp753del)

Gene: MATR3 (matrin 3; plus strand). Cytogenetic location: 5q31.2.
Variant type: Microsatellite.
Coding change: c.2254GAT[1] on transcript NM_018834.6 (MANE Select); one copy of the 3-base unit GAT starting at c.2254; the reference has two copies in a row; one copy, 3 bases deleted.
Protein change: p.Asp753del; deletes aspartic acid 753.
Molecular consequence: inframe deletion.
Genome position (GRCh38, 1-based): chr5:139,325,548-139,325,550, GAT deleted; deleting any 3 consecutive bases within chr5:139,325,544-139,325,550 gives the same sequence; the position shown is the placement nearest the transcript's 3' end. VCF-style (leftmost placement, unchanged base first): chr5-139325543-CTGA-C. GRCh37 (hg19) VCF-style: chr5-138661232-CTGA-C.
Other names: c.2254GAT[1], p.Asp753del (NM_001194954.2, NM_001194955.2, NM_199189.3); c.1390GAT[1], p.Asp465del (NM_001194956.2); c.1240GAT[1], p.Asp415del (NM_001282278.2); c.2257_2259del (NM_199189.2); c.2257_2259delGAT (NM_018834.6); short protein forms D415del, D465del, D753del.
Identifiers: ClinVar variation 859218 (VCV000859218.11), dbSNP rs1016579955, ClinGen allele CA128241063.